The following is an entry in ClinVar:

NM_000452.3(SLC10A2):c.79A>G (p.Asn27Asp)

Gene: SLC10A2 (solute carrier family 10 member 2; minus strand). Cytogenetic location: 13q33.1.
Variant type: single nucleotide variant.
Coding change: c.79A>G on transcript NM_000452.3 (MANE Select); coding-DNA position 79, A replaced by G.
Protein change: p.Asn27Asp; replaces asparagine 27 with aspartic acid.
Molecular consequence: missense variant.
Genome position (GRCh38, 1-based): chr13:103,066,171, T>C on the plus strand (A>G on the coding strand, the complement: SLC10A2 is on the minus strand). VCF-style: chr13-103066171-T-C. GRCh37 (hg19) VCF-style: chr13-103718521-T-C.
Other names: short protein forms N27D.
Identifiers: ClinVar variation 3708367 (VCV003708367.2).
Genomic context (GRCh38, chr13:103,066,171, plus strand): 5'-ACATCACCAAGGCCAACAGGATGGTCAGCACCGTACTTAGGACCACACTTAGGATGTTAT[T>C]GAAATTGCTCTCAGGTACCACACAGGATGCACCAGAGCAAACTGTTGCATTGTCCACACA-3'
Protein context (NP_000443.2, residues 17-37): ASCVVPESNF[Asn27Asp]NILSVVLSTV

ClinVar aggregate classification (germline): Uncertain significance (1 of 4 stars; one submission).

Submission:

Labcorp Genetics (formerly Invitae), Labcorp
Classification: Uncertain significance. Last evaluated: 2025-05-01. Review status: criteria provided, single submitter. Criteria: Invitae Variant Classification Sherloc (09022015). Collection method: clinical testing. Allele origin: germline.
Comment: This sequence change replaces asparagine, which is neutral and polar, with aspartic acid, which is acidic and polar, at codon 27 of the SLC10A2 protein (p.Asn27Asp). This variant is present in population databases (rs201932543, gnomAD 0.009%). This variant has not been reported in the literature in individuals affected with SLC10A2-related conditions. ClinVar contains an entry for this variant (Variation ID: 3708367). An algorithm developed to predict the effect of missense changes on protein structure and function (PolyPhen-2) suggests that this variant is likely to be disruptive. In summary, the available evidence is currently insufficient to determine the role of this variant in disease. Therefore, it has been classified as a Variant of Uncertain Significance.